The following is an entry in ClinVar:

ClinVar aggregate classification (germline): Uncertain significance (1 of 4 stars; one submission).

Allele frequency attached by ClinVar (database versions not stated): gnomAD exomes 0.00001; gnomAD 0.00003; TOPMed 0.00005.

Submission:

Labcorp Genetics (formerly Invitae), Labcorp
Classification: Uncertain significance. Last evaluated: 2024-11-05. Review status: criteria provided, single submitter. Criteria: Invitae Variant Classification Sherloc (09022015). Collection method: clinical testing. Allele origin: germline.
Comment: This sequence change replaces arginine, which is basic and polar, with glycine, which is neutral and non-polar, at codon 1779 of the CACNA1F protein (p.Arg1779Gly). This variant is present in population databases (no rsID available, gnomAD 0.008%). This variant has not been reported in the literature in individuals affected with CACNA1F-related conditions. ClinVar contains an entry for this variant (Variation ID: 1438094). An algorithm developed to predict the effect of missense changes on protein structure and function outputs the following: PolyPhen-2: "Benign". The glycine amino acid residue is found in multiple mammalian species, which suggests that this missense change does not adversely affect protein function. In summary, the available evidence is currently insufficient to determine the role of this variant in disease. Therefore, it has been classified as a Variant of Uncertain Significance.

NM_001256789.3(CACNA1F):c.5302A>G (p.Arg1768Gly)

Gene: CACNA1F (calcium voltage-gated channel subunit alpha1 F; minus strand). Cytogenetic location: Xp11.23.
Variant type: single nucleotide variant.
Coding change: c.5302A>G on transcript NM_001256789.3 (MANE Select); coding-DNA position 5302, A replaced by G.
Protein change: p.Arg1768Gly; replaces arginine 1768 with glycine.
Molecular consequence: missense variant.
Genome position (GRCh38, 1-based): chrX:49,206,785, T>C on the plus strand (A>G on the coding strand, the complement: CACNA1F is on the minus strand). VCF-style: chrX-49206785-T-C. GRCh37 (hg19) VCF-style: chrX-49063246-T-C.
Other names: c.5140A>G, p.Arg1714Gly (NM_001256790.3); c.5335A>G, p.Arg1779Gly (NM_005183.4); short protein forms R1768G, R1714G, R1779G.
Identifiers: ClinVar variation 1438094 (VCV001438094.9), dbSNP rs1409500928, ClinGen allele CA412958375.